The following is an entry in ClinVar:

ClinVar aggregate classification (germline): Uncertain significance (1 of 4 stars; one submission).

Conditions:
Hyperekplexia 2 (HKPX2). Identifiers: Orphanet 3197, MedGen C3553291, MONDO:0013828, OMIM 614619.

Submission:

Labcorp Genetics (formerly Invitae), Labcorp
Classification: Uncertain significance for Hyperekplexia 2. Last evaluated: 2022-03-14. Review status: criteria provided, single submitter. Criteria: Invitae Variant Classification Sherloc (09022015). Collection method: clinical testing. Allele origin: germline.
Comment: This variant has not been reported in the literature in individuals affected with GLRB-related conditions. In summary, the available evidence is currently insufficient to determine the role of this variant in disease. Therefore, it has been classified as a Variant of Uncertain Significance. Advanced modeling of protein sequence and biophysical properties (such as structural, functional, and spatial information, amino acid conservation, physicochemical variation, residue mobility, and thermodynamic stability) performed at Invitae indicates that this missense variant is not expected to disrupt GLRB protein function. This variant is not present in population databases (gnomAD no frequency). This sequence change replaces glutamine, which is neutral and polar, with arginine, which is basic and polar, at codon 95 of the GLRB protein (p.Gln95Arg).

NM_000824.5(GLRB):c.284A>G (p.Gln95Arg)

Gene: GLRB (glycine receptor beta; plus strand). Cytogenetic location: 4q32.1.
Variant type: single nucleotide variant.
Coding change: c.284A>G on transcript NM_000824.5 (MANE Select); coding-DNA position 284, A replaced by G.
Protein change: p.Gln95Arg; replaces glutamine 95 with arginine.
Molecular consequence: missense variant.
Genome position (GRCh38, 1-based): chr4:157,122,384, A>G. VCF-style: chr4-157122384-A-G. GRCh37 (hg19) VCF-style: chr4-158043536-A-G.
Other names: c.284A>G, p.Gln95Arg (NM_001166060.2, NM_001166061.2); short protein forms Q95R.
Identifiers: ClinVar variation 2111774 (VCV002111774.4), dbSNP rs2530025943, ClinGen allele CA358641963.